The following is an entry in ClinVar:

ClinVar aggregate classification (germline): Uncertain significance (1 of 4 stars; one submission).

Conditions:
Cardiovascular phenotype. Identifiers: MedGen CN230736.

Submission:

Ambry Genetics
Classification: Uncertain significance for Cardiovascular phenotype. Last evaluated: 2022-07-23. Review status: criteria provided, single submitter. Criteria: Ambry Variant Classification Scheme 2023. Collection method: clinical testing. Allele origin: germline.
Comment: The p.G444R variant (also known as c.1330G>C), located in coding exon 10 of the JAG1 gene, results from a G to C substitution at nucleotide position 1330. The glycine at codon 444 is replaced by arginine, an amino acid with dissimilar properties. This amino acid position is conserved. In addition, this alteration is predicted to be deleterious by in silico analysis. Since supporting evidence is limited at this time, the clinical significance of this alteration remains unclear.

NM_000214.3(JAG1):c.1330G>C (p.Gly444Arg)

Gene: JAG1 (jagged canonical Notch ligand 1; minus strand). Cytogenetic location: 20p12.2.
Variant type: single nucleotide variant.
Coding change: c.1330G>C on transcript NM_000214.3 (MANE Select); coding-DNA position 1330, G replaced by C.
Protein change: p.Gly444Arg; replaces glycine 444 with arginine.
Molecular consequence: missense variant.
Genome position (GRCh38, 1-based): chr20:10,649,540, C>G on the plus strand (G>C on the coding strand, the complement: JAG1 is on the minus strand). VCF-style: chr20-10649540-C-G. GRCh37 (hg19) VCF-style: chr20-10630188-C-G.
Other names: short protein forms G444R.
Identifiers: ClinVar variation 1770141 (VCV001770141.2), dbSNP rs2067331900, ClinGen allele CA408238124.